The following is an entry in ClinVar:

NM_175634.3(RUNX1T1):c.1539+1dup

Gene: RUNX1T1 (RUNX1 partner transcriptional co-repressor 1; minus strand). Cytogenetic location: 8q21.3.
Variant type: Duplication.
Coding change: c.1539+1dup on transcript NM_175634.3 (MANE Select); the canonical splice donor site of the intron after coding-DNA position 1539, one base duplicated (G; older notation c.1539+1dupG).
Molecular consequence: splice donor variant.
Genome position (GRCh38, 1-based): chr8:91,970,657, C duplicated on the plus strand (G on the coding strand, the reverse complement: RUNX1T1 is on the minus strand); the first of 2 consecutive C bases (chr8:91,970,657-91,970,658); duplicating either gives the same sequence. VCF-style (leftmost placement, unchanged base first): chr8-91970656-A-AC. GRCh37 (hg19) VCF-style: chr8-92982884-A-AC.
Other names: c.1428+1dup (NM_175636.2, NM_175635.3); c.1479+1dup (NM_001198633.2); c.1623+1dup (NM_001395209.1); c.1539+1dup (NM_001198628.2, NM_001198631.2, NM_001198626.2 and 3 more transcripts); c.1716+1dup (NM_001198679.3); c.1572+1dup (NM_001198634.2); c.1458+1dup (NM_001198625.2, NM_001198632.2, NM_004349.4).
Identifiers: ClinVar variation 3381461 (VCV003381461.1).
Genomic context (GRCh38, chr8:91,970,656, plus strand): 5'-GAATGAGCACTCTAATGAATGAAAACTATCTTGTTTATTTGGAGCTTCCCAAGATGCCTC[A>AC]CCTCGCTTGAATCCTCCTGCTGATTGATAACTGCCAGTGCGTCCTCCGCCGCCTGCCGTT-3'

ClinVar aggregate classification (germline): Uncertain significance (1 of 4 stars; one submission).

Submission:

GeneDx
Classification: Uncertain significance. Last evaluated: 2024-01-17. Review status: criteria provided, single submitter. Criteria: GeneDx Variant Classification Process June 2021. Collection method: clinical testing. Allele origin: germline. Affected: yes.
Comment: Not observed at significant frequency in large population cohorts (gnomAD); Has not been previously published as pathogenic or benign to our knowledge; Canonical splice site variant in a gene for which loss-of-function is not a known mechanism of disease; Variants in candidate genes are classified as variants of uncertain significance in accordance with ACMG guidelines (PMID: 25741868)